The following is an entry in ClinVar:

ClinVar aggregate classification (germline): Uncertain significance (1 of 4 stars; one submission).

Conditions:
Reticular dysgenesis. Also called: ALEUKOCYTOSIS; CONGENITAL ALEUKIA; HEMATOPOIETIC HYPOPLASIA, GENERALIZED; RETICULAR DYSGENESIA; SEVERE COMBINED IMMUNODEFICIENCY WITH LEUKOPENIA; DeVaal disease. Identifiers: Orphanet 33355, MedGen C0272167, MONDO:0009973, OMIM 267500.

Submission:

Labcorp Genetics (formerly Invitae), Labcorp
Classification: Uncertain significance for Reticular dysgenesis. Last evaluated: 2019-06-04. Review status: criteria provided, single submitter. Criteria: Invitae Variant Classification Sherloc (09022015). Collection method: clinical testing. Allele origin: germline.
Comment: In summary, the available evidence is currently insufficient to determine the role of this variant in disease. Therefore, it has been classified as a Variant of Uncertain Significance. Algorithms developed to predict the effect of missense changes on protein structure and function are either unavailable or do not agree on the potential impact of this missense change (SIFT: "Deleterious"; PolyPhen-2: "Benign"; Align-GVGD: "Class C65"). This variant has not been reported in the literature in individuals with AK2-related conditions. This variant is not present in population databases (ExAC no frequency). This sequence change replaces glycine with aspartic acid at codon 95 of the AK2 protein (p.Gly95Asp). The glycine residue is highly conserved and there is a moderate physicochemical difference between glycine and aspartic acid.

NM_001625.4(AK2):c.284G>A (p.Gly95Asp)

Gene: AK2 (adenylate kinase 2; minus strand). Cytogenetic location: 1p35.1.
Variant type: single nucleotide variant.
Coding change: c.284G>A on transcript NM_001625.4 (MANE Select); coding-DNA position 284, G replaced by A.
Protein change: p.Gly95Asp; replaces glycine 95 with aspartic acid.
Molecular consequence: missense variant. On other transcripts: non-coding transcript variant (1).
Genome position (GRCh38, 1-based): chr1:33,021,639, C>T on the plus strand (G>A on the coding strand, the complement: AK2 is on the minus strand). VCF-style: chr1-33021639-C-T. GRCh37 (hg19) VCF-style: chr1-33487240-C-T.
Other names: c.284G>A, p.Gly95Asp (NM_001199199.3, NM_001319141.3, NM_001319143.2 and 1 more transcripts); c.140G>A, p.Gly47Asp (NM_001319139.3, NM_001319140.2); c.158G>A, p.Gly53Asp (NM_001319142.3); short protein forms G53D, G47D, G95D.
Identifiers: ClinVar variation 949742 (VCV000949742.9), dbSNP rs1639563562, ClinGen allele CA339702309.